The following is an entry in ClinVar:

NM_003737.4(DCHS1):c.7223A>G (p.Asn2408Ser)

Gene: DCHS1 (dachsous cadherin-related 1; minus strand). Cytogenetic location: 11p15.4.
Variant type: single nucleotide variant.
Coding change: c.7223A>G on transcript NM_003737.4 (MANE Select); coding-DNA position 7223, A replaced by G.
Protein change: p.Asn2408Ser; replaces asparagine 2408 with serine.
Molecular consequence: missense variant.
Genome position (GRCh38, 1-based): chr11:6,624,792, T>C on the plus strand (A>G on the coding strand, the complement: DCHS1 is on the minus strand). VCF-style: chr11-6624792-T-C. GRCh37 (hg19) VCF-style: chr11-6646023-T-C.
Other names: short protein forms N2408S.
Identifiers: ClinVar variation 2188922 (VCV002188922.4), dbSNP rs780922563, ClinGen allele CA5859655.
Genomic context (GRCh38, chr11:6,624,792, plus strand): 5'-TTGTTGGGGTCAACACTGAAGCCATCGGCAGGGGAAGCCAGGTGGTAGGAAATGTGACCG[T>C]TGGCACCTGAGTCCCGATCAGTGGCAGAGACGGAGAGAATGGCACTGCCTGGGGGTGTGT-3'
Protein context (NP_003728.1, residues 2398-2418): VSATDRDSGA[Asn2408Ser]GHISYHLASP

ClinVar aggregate classification (germline): Uncertain significance (1 of 4 stars; one submission).

Allele frequency attached by ClinVar (database versions not stated): gnomAD 0.00001; gnomAD exomes 0.00001; ExAC 0.00003; TOPMed 0.00003.
gnomAD v4.1: 11 of 1,613,786 alleles (0.00068%); highest among the groups gnomAD compares: African/African-American, 0.0027%; no homozygotes.

Submission:

Labcorp Genetics (formerly Invitae), Labcorp
Classification: Uncertain significance. Last evaluated: 2025-11-03. Review status: criteria provided, single submitter. Criteria: Invitae Variant Classification Sherloc (09022015). Collection method: clinical testing. Allele origin: germline.
Comment: This sequence change replaces asparagine, which is neutral and polar, with serine, which is neutral and polar, at codon 2408 of the DCHS1 protein (p.Asn2408Ser). This variant is present in population databases (rs780922563, gnomAD 0.004%). This variant has not been reported in the literature in individuals affected with DCHS1-related conditions. ClinVar contains an entry for this variant (Variation ID: 2188922). Invitae Evidence Modeling of protein sequence and biophysical properties (such as structural, functional, and spatial information, amino acid conservation, physicochemical variation, residue mobility, and thermodynamic stability) indicates that this missense variant is not expected to disrupt DCHS1 protein function with a negative predictive value of 80%. In summary, the available evidence is currently insufficient to determine the role of this variant in disease. Therefore, it has been classified as a Variant of Uncertain Significance.